The following is an entry in ClinVar:

ClinVar aggregate classification (germline): Uncertain significance. Review status: criteria provided, single submitter (1 of 4 stars). 2 submissions from 2 submitters: Uncertain significance (1). 1 of the submissions does not count toward it. Last evaluated 2022-07-18.

gnomAD v4.1: 3 of 1,612,650 alleles (0.00019%); no homozygotes.

Submissions (2):

Labcorp Genetics (formerly Invitae), Labcorp
Classification: Uncertain significance. Last evaluated: 2022-07-18. Review status: criteria provided, single submitter. Criteria: Invitae Variant Classification Sherloc (09022015). Collection method: clinical testing. Allele origin: germline.
Comment: This sequence change replaces proline, which is neutral and non-polar, with arginine, which is basic and polar, at codon 1083 of the SLC12A1 protein (p.Pro1083Arg). This variant is not present in population databases (gnomAD no frequency). This variant has not been reported in the literature in individuals affected with SLC12A1-related conditions. ClinVar contains an entry for this variant (Variation ID: 591668). Algorithms developed to predict the effect of missense changes on protein structure and function are either unavailable or do not agree on the potential impact of this missense change (SIFT: "Deleterious"; PolyPhen-2: "Probably Damaging"; Align-GVGD: "Class C0"). In summary, the available evidence is currently insufficient to determine the role of this variant in disease. Therefore, it has been classified as a Variant of Uncertain Significance.

Gharavi Laboratory, Columbia University
Classification: Uncertain significance. Last evaluated: 2018-09-16. Review status: no assertion criteria provided. Criteria: ACMG Guidelines, 2015. Collection method: research. Allele origin: germline. Affected: yes. Not counted in ClinVar's aggregate classification.

NM_000338.3(SLC12A1):c.3248C>G (p.Pro1083Arg)

Gene: SLC12A1 (solute carrier family 12 member 1; plus strand). Cytogenetic location: 15q21.1.
Variant type: single nucleotide variant.
Coding change: c.3248C>G on transcript NM_000338.3 (MANE Select); coding-DNA position 3248, C replaced by G.
Protein change: p.Pro1083Arg; replaces proline 1083 with arginine.
Molecular consequence: missense variant.
Genome position (GRCh38, 1-based): chr15:48,302,833, C>G. VCF-style: chr15-48302833-C-G. GRCh37 (hg19) VCF-style: chr15-48595030-C-G.
Other names: c.3248C>G, p.Pro1083Arg (NM_001184832.2); short protein forms P1083R.
Identifiers: ClinVar variation 591668 (VCV000591668.4), dbSNP rs1566863357, ClinGen allele CA392322131.
Genomic context (GRCh38, chr15:48,302,833, plus strand): 5'-GATCCATATCGGATTTGTTGTATATGGCTTGGTTGGAAATCCTCACAAAGAACCTCCCAC[C>G]TGTCTTACTAGTTAGAGGAAATCACAAAAATGTCTTGACATTTTACTCTTAAAACATGAA-3'
Protein context (NP_000329.2, residues 1073-1093): WLEILTKNLP[Pro1083Arg]VLLVRGNHKN